The following is an entry in ClinVar:

ClinVar aggregate classification (germline): Uncertain significance (1 of 4 stars; one submission).

Conditions:
Werner syndrome (WRN). Identifiers: Orphanet 902, MedGen C0043119, MONDO:0010196, OMIM 277700.

Allele frequency attached by ClinVar (database versions not stated): gnomAD exomes 0.00001.

Submission:

Labcorp Genetics (formerly Invitae), Labcorp
Classification: Uncertain significance for Werner syndrome. Last evaluated: 2024-11-27. Review status: criteria provided, single submitter. Criteria: Invitae Variant Classification Sherloc (09022015). Collection method: clinical testing. Allele origin: germline.
Comment: This sequence change replaces serine, which is neutral and polar, with asparagine, which is neutral and polar, at codon 1279 of the WRN protein (p.Ser1279Asn). This variant is present in population databases (rs767033541, gnomAD 0.003%). This variant has not been reported in the literature in individuals affected with WRN-related conditions. ClinVar contains an entry for this variant (Variation ID: 858041). An algorithm developed to predict the effect of missense changes on protein structure and function outputs the following: PolyPhen-2: "Benign". The asparagine amino acid residue is found in multiple mammalian species, which suggests that this missense change does not adversely affect protein function. In summary, the available evidence is currently insufficient to determine the role of this variant in disease. Therefore, it has been classified as a Variant of Uncertain Significance.

NM_000553.6(WRN):c.3836G>A (p.Ser1279Asn)

Gene: WRN (WRN RecQ like helicase; plus strand). Cytogenetic location: 8p12.
Variant type: single nucleotide variant.
Coding change: c.3836G>A on transcript NM_000553.6 (MANE Select); coding-DNA position 3836, G replaced by A.
Protein change: p.Ser1279Asn; replaces serine 1279 with asparagine.
Molecular consequence: missense variant.
Genome position (GRCh38, 1-based): chr8:31,157,384, G>A. VCF-style: chr8-31157384-G-A. GRCh37 (hg19) VCF-style: chr8-31014900-G-A.
Other names: short protein forms S1279N.
Identifiers: ClinVar variation 858041 (VCV000858041.5), dbSNP rs767033541, ClinGen allele CA174913792.
Genomic context (GRCh38, chr8:31,157,384, plus strand): 5'-GACACTTTTACAACTCACTGGGTTCTTTGCTGATCTTTCTCTAGAAGAGCATAGCTGAGA[G>A]CAGGATTCTGCCTCTCATGACAATTGGCATGCACTTATCCCAAGCGGTGAAAGCTGGCTG-3'
Protein context (NP_000544.2, residues 1269-1289): KKMPLKSIAE[Ser1279Asn]RILPLMTIGM